The following is an entry in ClinVar:

NM_014629.4(ARHGEF10):c.2991G>C (p.Lys997Asn)

Gene: ARHGEF10 (Rho guanine nucleotide exchange factor 10; plus strand). Cytogenetic location: 8p23.3.
Variant type: single nucleotide variant.
Coding change: c.2991G>C on transcript NM_014629.4 (MANE Select); coding-DNA position 2991, G replaced by C.
Protein change: p.Lys997Asn; replaces lysine 997 with asparagine.
Molecular consequence: missense variant.
Genome position (GRCh38, 1-based): chr8:1,929,355, G>C. VCF-style: chr8-1929355-G-C. GRCh37 (hg19) VCF-style: chr8-1877521-G-C.
Other names: c.2877G>C, p.Lys959Asn (NM_001308152.2); c.2991G>C, p.Lys997Asn (NM_001308153.3); short protein forms K997N, K959N, K1021N.
Identifiers: ClinVar variation 2015293 (VCV002015293.4), dbSNP rs976576470, ClinGen allele CA369968798.

ClinVar aggregate classification (germline): Uncertain significance (1 of 4 stars; one submission).

Submission:

Labcorp Genetics (formerly Invitae), Labcorp
Classification: Uncertain significance. Last evaluated: 2022-08-10. Review status: criteria provided, single submitter. Criteria: Invitae Variant Classification Sherloc (09022015). Collection method: clinical testing. Allele origin: germline.
Comment: In summary, the available evidence is currently insufficient to determine the role of this variant in disease. Therefore, it has been classified as a Variant of Uncertain Significance. Algorithms developed to predict the effect of missense changes on protein structure and function are either unavailable or do not agree on the potential impact of this missense change (SIFT: "Deleterious"; PolyPhen-2: "Possibly Damaging"; Align-GVGD: "Class C0"). This variant has not been reported in the literature in individuals affected with ARHGEF10-related conditions. This variant is not present in population databases (gnomAD no frequency). This sequence change replaces lysine, which is basic and polar, with asparagine, which is neutral and polar, at codon 997 of the ARHGEF10 protein (p.Lys997Asn).